The following is an entry in ClinVar:

ClinVar aggregate classification (germline): Pathogenic (1 of 4 stars; one submission).

Conditions:
Primary ciliary dyskinesia. Also called: Ciliary dyskinesia. Identifiers: Orphanet 244, MedGen C0008780, MONDO:0016575, HP:0012265.

Allele frequency attached by ClinVar (database versions not stated): gnomAD exomes below 0.00001; TOPMed below 0.00001; gnomAD 0.00001.
gnomAD v4.1: 2 of 1,613,830 alleles (0.00012%); highest among the groups gnomAD compares: Non-Finnish European, 0.00017%; no homozygotes.

Submission:

Labcorp Genetics (formerly Invitae), Labcorp
Classification: Pathogenic for Primary ciliary dyskinesia. Last evaluated: 2026-01-11. Review status: criteria provided, single submitter. Criteria: Invitae Variant Classification Sherloc (09022015). Collection method: clinical testing. Allele origin: germline.
Comment: This sequence change creates a premature translational stop signal (p.Glu1669*) in the DNAH8 gene. It is expected to result in an absent or disrupted protein product. Loss-of-function variants in DNAH8 are known to be pathogenic (PMID: 24307375, 32619401, 32681648). This variant is not present in population databases (gnomAD no frequency). This variant has not been reported in the literature in individuals affected with DNAH8-related conditions. ClinVar contains an entry for this variant (Variation ID: 2696684). Algorithms developed to predict the effect of sequence changes on RNA splicing suggest that this variant may disrupt the consensus splice site. For these reasons, this variant has been classified as Pathogenic.

Literature cited by the submitters: PubMed 24307375; PubMed 32619401; PubMed 32681648.

NM_001206927.2(DNAH8):c.5005G>T (p.Glu1669Ter)

Gene: DNAH8 (dynein axonemal heavy chain 8; plus strand). Cytogenetic location: 6p21.2.
Variant type: single nucleotide variant.
Coding change: c.5005G>T on transcript NM_001206927.2 (MANE Select); coding-DNA position 5005, G replaced by T.
Protein change: p.Glu1669Ter; replaces glutamic acid 1669 with a stop codon.
Molecular consequence: nonsense.
Genome position (GRCh38, 1-based): chr6:38,845,733, G>T. VCF-style: chr6-38845733-G-T. GRCh37 (hg19) VCF-style: chr6-38813509-G-T.
Other names: c.4354G>T, p.Glu1452Ter (NM_001371.4); short protein forms E1452*, E1669*.
Identifiers: ClinVar variation 2696684 (VCV002696684.3), dbSNP rs1438128043, ClinGen allele CA364007217.